The following is an entry in ClinVar:

ClinVar aggregate classification (germline): Uncertain significance (1 of 4 stars; one submission).

Allele frequency attached by ClinVar (database versions not stated): TOPMed below 0.00001.

Submission:

GeneDx
Classification: Uncertain significance. Last evaluated: 2022-03-21. Review status: criteria provided, single submitter. Criteria: GeneDx Variant Classification Process June 2021. Collection method: clinical testing. Allele origin: germline. Affected: yes.
Comment: Not observed at significant frequency in large population cohorts (gnomAD); In silico analysis supports that this missense variant does not alter protein structure/function; Has not been previously published as pathogenic or benign to our knowledge

NM_001271.4(CHD2):c.3041C>T (p.Thr1014Ile)

Genes: CHD2 (chromodomain helicase DNA binding protein 2; plus strand), LOC126862230 (P300/CBP strongly-dependent group 1 enhancer GRCh37_chr15:93523977-93525176; plus strand). Cytogenetic location: 15q26.1.
Variant type: single nucleotide variant.
Coding change: c.3041C>T on transcript NM_001271.4 (MANE Select); coding-DNA position 3041, C replaced by T.
Protein change: p.Thr1014Ile; replaces threonine 1014 with isoleucine.
Molecular consequence: missense variant.
Genome position (GRCh38, 1-based): chr15:92,981,432, C>T. VCF-style: chr15-92981432-C-T. GRCh37 (hg19) VCF-style: chr15-93524662-C-T.
Other names: short protein forms T1014I.
Identifiers: ClinVar variation 1706989 (VCV001706989.2), dbSNP rs2053979015, ClinGen allele CA393894984.